The following is an entry in ClinVar:

NM_001291415.2(KDM6A):c.3416A>G (p.Asn1139Ser)

Gene: KDM6A (lysine demethylase 6A; plus strand). Cytogenetic location: Xp11.3.
Variant type: single nucleotide variant.
Coding change: c.3416A>G on transcript NM_001291415.2 (MANE Select); coding-DNA position 3416, A replaced by G.
Protein change: p.Asn1139Ser; replaces asparagine 1139 with serine.
Molecular consequence: missense variant. On other transcripts: non-coding transcript variant (1).
Genome position (GRCh38, 1-based): chrX:45,082,765, A>G. VCF-style: chrX-45082765-A-G. GRCh37 (hg19) VCF-style: chrX-44942010-A-G.
Other names: c.3281A>G, p.Asn1094Ser (NM_001291416.2, NM_001419811.1); c.3125A>G, p.Asn1042Ser (NM_001291417.2); c.3023A>G, p.Asn1008Ser (NM_001291418.2, NM_001419815.1); c.2372A>G, p.Asn791Ser (NM_001291421.2); c.3158A>G, p.Asn1053Ser (NM_001410742.1, NM_001419814.1); c.3416A>G, p.Asn1139Ser (NM_001419809.1); c.3314A>G, p.Asn1105Ser (NM_001419810.1, NM_001419813.1); c.3260A>G, p.Asn1087Ser (NM_001419812.1, NM_021140.4); short protein forms N1008S, N1139S, N791S, N1053S, N1087S, N1042S, N1094S, N1105S.
Identifiers: ClinVar variation 3533185 (VCV003533185.3).

ClinVar aggregate classification (germline): Conflicting classifications of pathogenicity. Review status: criteria provided, conflicting classifications (1 of 4 stars). 2 submissions from 2 submitters: Uncertain significance (1); Likely benign (1). Last evaluated 2024-12-10.

Conditions:
Kabuki syndrome 2 (KABUK2). Also called: KDM6A-Related Kabuki Syndrome. Identifiers: Orphanet 2322, MedGen C3275495, MONDO:0010465, OMIM 300867.
Inborn genetic diseases. Identifiers: MedGen C0950123, MeSH D030342.

gnomAD v4.1: 15 of 1,194,167 alleles (0.0013%); highest among the groups gnomAD compares: Admixed American, 0.0022%; no homozygotes.

Submissions (2):

Ambry Genetics
Classification: Likely benign for Inborn genetic diseases. Last evaluated: 2024-12-10. Review status: criteria provided, single submitter. Criteria: Ambry Variant Classification Scheme 2023. Collection method: clinical testing. Allele origin: germline.

Labcorp Genetics (formerly Invitae), Labcorp
Classification: Uncertain significance for Kabuki syndrome 2. Last evaluated: 2024-12-02. Review status: criteria provided, single submitter. Criteria: Invitae Variant Classification Sherloc (09022015). Collection method: clinical testing. Allele origin: germline.
Comment: This sequence change replaces asparagine, which is neutral and polar, with serine, which is neutral and polar, at codon 1087 of the KDM6A protein (p.Asn1087Ser). This variant is present in population databases (rs781540479, gnomAD 0.004%). This variant has not been reported in the literature in individuals affected with KDM6A-related conditions. Invitae Evidence Modeling of protein sequence and biophysical properties (such as structural, functional, and spatial information, amino acid conservation, physicochemical variation, residue mobility, and thermodynamic stability) indicates that this missense variant is expected to disrupt KDM6A protein function with a positive predictive value of 80%. In summary, the available evidence is currently insufficient to determine the role of this variant in disease. Therefore, it has been classified as a Variant of Uncertain Significance.